The following is an entry in ClinVar:

ClinVar aggregate classification (germline): Likely benign. Review status: criteria provided, single submitter (1 of 4 stars). 2 submissions from 2 submitters: Likely benign (1). 1 of the submissions does not count toward it. Last evaluated 2024-01-01.

Conditions:
PLXNA1-related disorder. Also called: PLXNA1-related condition.

Allele frequency attached by ClinVar (database versions not stated): gnomAD 0.00001; ExAC 0.00002.
gnomAD v4.1: 26 of 1,611,438 alleles (0.0016%); highest among the groups gnomAD compares: Non-Finnish European, 0.002%; no homozygotes.

Submissions (2):

Labcorp Genetics (formerly Invitae), Labcorp
Classification: Likely benign. Last evaluated: 2024-01-01. Review status: criteria provided, single submitter. Criteria: Invitae Variant Classification Sherloc (09022015). Collection method: clinical testing. Allele origin: germline.

PreventionGenetics, part of Exact Sciences
Classification: Likely benign for PLXNA1-related condition. Last evaluated: 2024-06-10. Review status: no assertion criteria provided. Collection method: clinical testing. Allele origin: germline. Not counted in ClinVar's aggregate classification.
Comment: This variant is classified as likely benign based on ACMG/AMP sequence variant interpretation guidelines (Richards et al. 2015 PMID: 25741868, with internal and published modifications).

NM_032242.4(PLXNA1):c.5062-10C>T

Gene: PLXNA1 (plexin A1; plus strand). Cytogenetic location: 3q21.3.
Variant type: single nucleotide variant.
Coding change: c.5062-10C>T on transcript NM_032242.4 (MANE Select); 10 bases into the intron before coding-DNA position 5062, C replaced by T.
Molecular consequence: intron variant.
Genome position (GRCh38, 1-based): chr3:127,030,233, C>T. VCF-style: chr3-127030233-C-T. GRCh37 (hg19) VCF-style: chr3-126749076-C-T.
Other names: c.5062-10C>T (NM_032242.3).
Identifiers: ClinVar variation 2964659 (VCV002964659.4), dbSNP rs765834717, ClinGen allele CA2594610.